The following is an entry in ClinVar:

NM_004135.4(IDH3G):c.1080+56_1080+65del

Gene: IDH3G (isocitrate dehydrogenase (NAD(+)) 3 non-catalytic subunit gamma; minus strand). Cytogenetic location: Xq28.
Variant type: Deletion.
Coding change: c.1080+56_1080+65del on transcript NM_004135.4 (MANE Select); bases 56 to 65 of the intron after coding-DNA position 1080, 10 bases deleted (TCCTGTAGCC; older notation c.1080+56_1080+65delTCCTGTAGCC).
Molecular consequence: intron variant. On other transcripts: frameshift variant (1).
Genome position (GRCh38, 1-based): chrX:153,786,147-153,786,156, GGCTACAGGA deleted on the plus strand (TCCTGTAGCC on the coding strand, the reverse complement: IDH3G is on the minus strand); deleting any 10 consecutive bases within chrX:153,786,147-153,786,160 gives the same sequence; the c. name uses the placement nearest the transcript's 3' end. VCF-style (leftmost placement, unchanged base first): chrX-153786146-GGGCTACAGGA-G. GRCh37 (hg19) VCF-style: chrX-153051601-GGGCTACAGGA-G.
Other names: c.1136_*2del, p.Leu379fs (NM_174869.3); short protein forms L379fs.
Identifiers: ClinVar variation 2661732 (VCV002661732.24), dbSNP rs781829485, ClinGen allele CA10552816.

ClinVar aggregate classification (germline): Likely benign (1 of 4 stars; one submission).

Submission:

CeGaT Center for Human Genetics Tuebingen
Classification: Likely benign. Last evaluated: 2023-05-01. Review status: criteria provided, single submitter. Criteria: CeGaT Center For Human Genetics Tuebingen Variant Classification Criteria Version 2. Collection method: clinical testing. Allele origin: germline. Affected: yes. Observed: 1 variant allele.
Comment: IDH3G: BS2